The following is an entry in ClinVar:

ClinVar aggregate classification (germline): Uncertain significance (1 of 4 stars; one submission).

Submission:

Labcorp Genetics (formerly Invitae), Labcorp
Classification: Uncertain significance. Last evaluated: 2024-08-12. Review status: criteria provided, single submitter. Criteria: Invitae Variant Classification Sherloc (09022015). Collection method: clinical testing. Allele origin: germline.
Comment: This sequence change replaces arginine, which is basic and polar, with glutamine, which is neutral and polar, at codon 495 of the MSN protein (p.Arg495Gln). This variant is present in population databases (rs761952339, gnomAD 0.005%), including at least one homozygous and/or hemizygous individual. This variant has not been reported in the literature in individuals affected with MSN-related conditions. An algorithm developed to predict the effect of missense changes on protein structure and function outputs the following: PolyPhen-2: "Benign". The glutamine amino acid residue is found in multiple mammalian species, which suggests that this missense change does not adversely affect protein function. In summary, the available evidence is currently insufficient to determine the role of this variant in disease. Therefore, it has been classified as a Variant of Uncertain Significance.

NM_002444.3(MSN):c.1484G>A (p.Arg495Gln)

Gene: MSN (moesin; plus strand). Cytogenetic location: Xq12.
Variant type: single nucleotide variant.
Coding change: c.1484G>A on transcript NM_002444.3 (MANE Select); coding-DNA position 1484, G replaced by A.
Protein change: p.Arg495Gln; replaces arginine 495 with glutamine.
Molecular consequence: missense variant.
Genome position (GRCh38, 1-based): chrX:65,739,109, G>A. VCF-style: chrX-65739109-G-A. GRCh37 (hg19) VCF-style: chrX-64958971-G-A.
Other names: short protein forms R495Q.
Identifiers: ClinVar variation 3605944 (VCV003605944.2).